The following is an entry in ClinVar:

NM_002693.3(POLG):c.1940G>C (p.Cys647Ser)

Gene: POLG (DNA polymerase gamma, catalytic subunit; minus strand). Cytogenetic location: 15q26.1.
Variant type: single nucleotide variant.
Coding change: c.1940G>C on transcript NM_002693.3 (MANE Select); coding-DNA position 1940, G replaced by C.
Protein change: p.Cys647Ser; replaces cysteine 647 with serine.
Molecular consequence: missense variant.
Genome position (GRCh38, 1-based): chr15:89,325,459, C>G on the plus strand (G>C on the coding strand, the complement: POLG is on the minus strand). VCF-style: chr15-89325459-C-G. GRCh37 (hg19) VCF-style: chr15-89868690-C-G.
Other names: c.1940G>C, p.Cys647Ser (NM_001126131.2); short protein forms C647S.
Identifiers: ClinVar variation 3706457 (VCV003706457.2).

ClinVar aggregate classification (germline): Uncertain significance (1 of 4 stars; one submission).

Conditions:
Progressive sclerosing poliodystrophy (MTDPS4A). Also called: ALPERS PROGRESSIVE INFANTILE POLIODYSTROPHY; NEURONAL DEGENERATION OF CHILDHOOD WITH LIVER DISEASE, PROGRESSIVE; Alpers Syndrome; ALPERS DIFFUSE DEGENERATION OF CEREBRAL GRAY MATTER WITH HEPATIC CIRRHOSIS; Alpers-Huttenlocher Syndrome; Mitochondrial DNA depletion syndrome 4A (Alpers type). Identifiers: Orphanet 726, MedGen C0205710, MONDO:0008758, OMIM 203700.

gnomAD v4.1: 2 of 1,600,910 alleles (0.00012%); highest among the groups gnomAD compares: Non-Finnish European, 0.00017%; no homozygotes.

Submission:

Labcorp Genetics (formerly Invitae), Labcorp
Classification: Uncertain significance for Progressive sclerosing poliodystrophy. Last evaluated: 2025-01-16. Review status: criteria provided, single submitter. Criteria: Invitae Variant Classification Sherloc (09022015). Collection method: clinical testing. Allele origin: germline.
Comment: This sequence change replaces cysteine, which is neutral and slightly polar, with serine, which is neutral and polar, at codon 647 of the POLG protein (p.Cys647Ser). This variant is not present in population databases (gnomAD no frequency). This variant has not been reported in the literature in individuals affected with POLG-related conditions. Invitae Evidence Modeling of protein sequence and biophysical properties (such as structural, functional, and spatial information, amino acid conservation, physicochemical variation, residue mobility, and thermodynamic stability) indicates that this missense variant is expected to disrupt POLG protein function with a positive predictive value of 95%. In summary, the available evidence is currently insufficient to determine the role of this variant in disease. Therefore, it has been classified as a Variant of Uncertain Significance.